The following is an entry in ClinVar:

ClinVar aggregate classification (germline): Conflicting classifications of pathogenicity. Review status: criteria provided, conflicting classifications (1 of 4 stars). 2 submissions from 2 submitters: Uncertain significance (1); Likely benign (1). Last evaluated 2025-06-17.

Submissions (2):

Mayo Clinic Laboratories, Mayo Clinic
Classification: Likely benign. Last evaluated: 2025-06-17. Review status: criteria provided, single submitter. Criteria: ACMG Guidelines, 2015. Collection method: clinical testing. Allele origin: germline. Observed: 7 variant alleles.
Comment: BP4, BP7, PM2_moderate

Breakthrough Genomics
Classification: Uncertain significance. Review status: criteria provided, single submitter. Criteria: ACMG Guidelines, 2015. Collection method: not provided. Allele origin: germline. Inheritance: Unknown mechanism. Affected: yes.

NM_003126.4(SPTA1):c.*99TG[14]

Genes: OR10Z1 (olfactory receptor family 10 subfamily Z member 1; plus strand), SPTA1 (spectrin alpha, erythrocytic 1; minus strand). Cytogenetic location: 1q23.1.
Variant type: Microsatellite.
Coding change: c.*99TG[14] on transcript NM_003126.4 (MANE Select); 14 copies in a row of the 2-base unit TG starting at c.*99; the reference has 17 copies in a row; three copies, 6 bases deleted.
Molecular consequence: 3 prime UTR variant.
Genome position (GRCh38, 1-based): chr1:158,611,132-158,611,137, CACACA deleted on the plus strand (TGTGTG on the coding strand, the reverse complement: SPTA1 is on the minus strand); deleting any 6 consecutive bases within chr1:158,611,132-158,611,166 gives the same sequence; the position shown is the placement nearest the transcript's 3' end. VCF-style (leftmost placement, unchanged base first): chr1-158611131-GCACACA-G. GRCh37 (hg19) VCF-style: chr1-158580921-GCACACA-G.
Other names: c.*127_*132del (NM_003126.4); c.*3753AC[14] (NM_001004478.2).
Identifiers: ClinVar variation 292932 (VCV000292932.7), dbSNP rs55832242, ClinGen allele CA10608330.